The following is an entry in ClinVar:

NM_003743.5(NCOA1):c.1238T>C (p.Met413Thr)

Gene: NCOA1 (nuclear receptor coactivator 1; plus strand). Cytogenetic location: 2p23.3.
Variant type: single nucleotide variant.
Coding change: c.1238T>C on transcript NM_003743.5 (MANE Select); coding-DNA position 1238, T replaced by C.
Protein change: p.Met413Thr; replaces methionine 413 with threonine.
Molecular consequence: missense variant.
Genome position (GRCh38, 1-based): chr2:24,706,708, T>C. VCF-style: chr2-24706708-T-C. GRCh37 (hg19) VCF-style: chr2-24929577-T-C.
Other names: c.1238T>C, p.Met413Thr (NM_001362950.1, NM_001362952.1, NM_001362954.1 and 3 more transcripts); short protein forms M413T.
Identifiers: ClinVar variation 4987723 (VCV004987723.1).
Genomic context (GRCh38, chr2:24,706,708, plus strand): 5'-GTATCTCTCCAGCTCATGGTGTGGCTCGTTCATCCACATTGCCACCATCCAACAGCAACA[T>C]GGTATCCACCAGAATAAACCGCCAGCAGAGCTCAGACCTTCATAGCAGCAGTCATAGTAA-3'
Protein context (NP_003734.3, residues 403-423): SSTLPPSNSN[Met413Thr]VSTRINRQQS

ClinVar aggregate classification (germline): Uncertain significance (1 of 4 stars; one submission).

Conditions:
NCOA1-related disorder. Also called: NCOA1-related condition.

gnomAD v4.1: 3 of 1,614,158 alleles (0.00019%); highest among the groups gnomAD compares: African/African-American, 0.0027%; no homozygotes.

Submission:

PreventionGenetics, part of Exact Sciences
Classification: Uncertain significance for NCOA1-related condition. Last evaluated: 2026-06-01. Review status: criteria provided, single submitter. Criteria: ACMG Guidelines, 2015. Collection method: clinical testing. Allele origin: germline.
Comment: The NCOA1 c.1238T>C variant is predicted to result in the amino acid substitution p.Met413Thr. To our knowledge, this variant has not been reported in the literature or in a large population database (gnomAD), indicating this variant is rare. At this time, the clinical significance of this variant is uncertain due to the absence of conclusive functional and genetic evidence.